The following is an entry in ClinVar:

NM_147127.5(EVC2):c.3772G>T (p.Val1258Leu)

Gene: EVC2 (EvC ciliary complex subunit 2; minus strand). Cytogenetic location: 4p16.2.
Variant type: single nucleotide variant.
Coding change: c.3772G>T on transcript NM_147127.5 (MANE Select); coding-DNA position 3772, G replaced by T.
Protein change: p.Val1258Leu; replaces valine 1258 with leucine.
Molecular consequence: missense variant.
Genome position (GRCh38, 1-based): chr4:5,563,003, C>A on the plus strand (G>T on the coding strand, the complement: EVC2 is on the minus strand). VCF-style: chr4-5563003-C-A. GRCh37 (hg19) VCF-style: chr4-5564730-C-A.
Other names: c.3532G>T, p.Val1178Leu (NM_001166136.2); c.3772G>T (NM_147127.4); short protein forms V1178L, V1258L.
Identifiers: ClinVar variation 2196731 (VCV002196731.3), dbSNP rs368359772, ClinGen allele CA2834187.

ClinVar aggregate classification (germline): Uncertain significance. Review status: criteria provided, multiple submitters, no conflicts (2 of 4 stars). 3 submissions from 3 submitters: Uncertain significance (3). Last evaluated 2025-12-30.

Conditions:
Inborn genetic diseases. Identifiers: MedGen C0950123, MeSH D030342.
EVC2-related disorder. Also called: EVC2-related condition.
Ellis-van Creveld syndrome (EVC). Also called: Chondroectodermal dysplasia; MESOECTODERMAL DYSPLASIA. Identifiers: Orphanet 289, MedGen C0013903, MONDO:0009162, OMIM 225500.
Curry-Hall syndrome (WAD). Also called: WEYERS ACRODENTAL DYSOSTOSIS. Identifiers: Orphanet 952, MedGen C0457013, MONDO:0008673, OMIM 193530.

Allele frequency attached by ClinVar (database versions not stated): ExAC 0.00001; TOPMed 0.00005; gnomAD 0.00006; ESP Exome Variant Server 0.00008.
gnomAD v4.1: 16 of 1,614,108 alleles (0.00099%); highest among the groups gnomAD compares: African/African-American, 0.016%; no homozygotes.

Submissions (3):

PreventionGenetics, part of Exact Sciences
Classification: Uncertain significance for EVC2-related condition. Last evaluated: 2025-12-30. Review status: criteria provided, single submitter. Criteria: ACMG Guidelines, 2015. Collection method: clinical testing. Allele origin: germline.
Comment: The EVC2 c.3772G>T variant is predicted to result in the amino acid substitution p.Val1258Leu. To our knowledge, this variant has not been reported in the literature. This variant is reported in 0.0062% of alleles in individuals of African descent in gnomAD. At this time, the clinical significance of this variant is uncertain due to the absence of conclusive functional and genetic evidence.

Ambry Genetics
Classification: Uncertain significance for Inborn genetic diseases. Last evaluated: 2025-08-01. Review status: criteria provided, single submitter. Criteria: Ambry Variant Classification Scheme 2023. Collection method: clinical testing. Allele origin: germline.

Labcorp Genetics (formerly Invitae), Labcorp
Classification: Uncertain significance for Curry-Hall syndrome; Ellis-van Creveld syndrome. Last evaluated: 2022-07-19. Review status: criteria provided, single submitter. Criteria: Invitae Variant Classification Sherloc (09022015). Collection method: clinical testing. Allele origin: germline.
Comment: This sequence change replaces valine, which is neutral and non-polar, with leucine, which is neutral and non-polar, at codon 1258 of the EVC2 protein (p.Val1258Leu). This variant is present in population databases (rs368359772, gnomAD 0.01%). This variant has not been reported in the literature in individuals affected with EVC2-related conditions. Algorithms developed to predict the effect of missense changes on protein structure and function (SIFT, PolyPhen-2, Align-GVGD) all suggest that this variant is likely to be tolerated. In summary, the available evidence is currently insufficient to determine the role of this variant in disease. Therefore, it has been classified as a Variant of Uncertain Significance.